The following is an entry in ClinVar:

NM_004104.5(FASN):c.3555C>G (p.Ala1185=)

Gene: FASN (fatty acid synthase; minus strand). Cytogenetic location: 17q25.3.
Variant type: single nucleotide variant.
Coding change: c.3555C>G on transcript NM_004104.5 (MANE Select); coding-DNA position 3555, C replaced by G.
Protein change: p.Ala1185=; no amino-acid change (alanine 1185 retained).
Molecular consequence: synonymous variant.
Genome position (GRCh38, 1-based): chr17:82,086,431, G>C on the plus strand (C>G on the coding strand, the complement: FASN is on the minus strand). VCF-style: chr17-82086431-G-C. GRCh37 (hg19) VCF-style: chr17-80044307-G-C.
Identifiers: ClinVar variation 707281 (VCV000707281.36), dbSNP rs142613672, ClinGen allele CA8852339.

ClinVar aggregate classification (germline): Benign/Likely benign. Review status: criteria provided, multiple submitters, no conflicts (2 of 4 stars). 4 submissions from 4 submitters: Benign (2); Likely benign (1). 1 of the submissions does not count toward it. Last evaluated 2026-01-31.

Conditions:
Epileptic encephalopathy. Identifiers: MedGen C0543888, HP:0200134.
FASN-related disorder. Also called: FASN-related condition.

Allele frequency attached by ClinVar (database versions not stated): gnomAD exomes 0.00101 and 0.00223; gnomAD 0.00110 and 0.00111; TOPMed 0.00114; ESP Exome Variant Server 0.00147; ExAC 0.00208.

Submissions (4):

Labcorp Genetics (formerly Invitae), Labcorp
Classification: Benign for Epileptic encephalopathy. Last evaluated: 2026-01-31. Review status: criteria provided, single submitter. Criteria: Invitae Variant Classification Sherloc (09022015). Collection method: clinical testing. Allele origin: germline.

CeGaT Center for Human Genetics Tuebingen
Classification: Likely benign. Last evaluated: 2024-02-01. Review status: criteria provided, single submitter. Criteria: CeGaT Center For Human Genetics Tuebingen Variant Classification Criteria Version 2. Collection method: clinical testing. Allele origin: germline. Affected: yes. Observed: 3 variant alleles.
Comment: FASN: BP4, BP7

Breakthrough Genomics
Classification: Benign. Review status: criteria provided, single submitter. Criteria: ACMG Guidelines, 2015. Collection method: not provided. Allele origin: germline. Inheritance: Unknown mechanism. Affected: yes.

PreventionGenetics, part of Exact Sciences
Classification: Likely benign for FASN-related condition. Last evaluated: 2019-06-10. Review status: no assertion criteria provided. Collection method: clinical testing. Allele origin: germline. Not counted in ClinVar's aggregate classification.
Comment: This variant is classified as likely benign based on ACMG/AMP sequence variant interpretation guidelines (Richards et al. 2015 PMID: 25741868, with internal and published modifications).